The following is an entry in ClinVar:

NM_000053.4(ATP7B):c.3336C>T (p.Ile1112=)

Gene: ATP7B (ATPase copper transporting beta; minus strand). Cytogenetic location: 13q14.3.
Variant type: single nucleotide variant.
Coding change: c.3336C>T on transcript NM_000053.4 (MANE Select); coding-DNA position 3336, C replaced by T.
Protein change: p.Ile1112=; no amino-acid change (isoleucine 1112 retained).
Molecular consequence: synonymous variant.
Genome position (GRCh38, 1-based): chr13:51,942,462, G>A on the plus strand (C>T on the coding strand, the complement: ATP7B is on the minus strand). VCF-style: chr13-51942462-G-A. GRCh37 (hg19) VCF-style: chr13-52516598-G-A.
Other names: c.2715C>T, p.Ile905= (NM_001005918.3); c.3003C>T, p.Ile1001= (NM_001243182.2); c.3102C>T, p.Ile1034= (NM_001330578.2, NM_001406527.1, NM_001406528.1 and 1 more transcripts); c.3084C>T, p.Ile1028= (NM_001330579.2, NM_001406531.1, NM_001406532.1); c.3336C>T, p.Ile1112= (NM_001406511.1, NM_001406512.1, NM_001406526.1); c.3330C>T, p.Ile1110= (NM_001406513.1); c.3303C>T, p.Ile1101= (NM_001406514.1); c.3282C>T, p.Ile1094= (NM_001406515.1, NM_001406516.1); and 20 more.
Identifiers: ClinVar variation 2004887 (VCV002004887.6), dbSNP rs778086706, ClinGen allele CA6988733.

ClinVar aggregate classification (germline): Likely benign. Review status: criteria provided, multiple submitters, no conflicts (2 of 4 stars). 3 submissions from 3 submitters: Likely benign (3). Last evaluated 2025-12-06.

Conditions:
Wilson disease (WND). Also called: Wilson's disease. Identifiers: Orphanet 905, MedGen C0019202, MONDO:0010200, OMIM 277900. Disease mechanism: loss of function.
Inborn genetic diseases. Identifiers: MedGen C0950123, MeSH D030342.

Allele frequency attached by ClinVar (database versions not stated): ExAC 0.00001; gnomAD 0.00001; gnomAD exomes 0.00001; TOPMed 0.00001.
gnomAD v4.1: 15 of 1,614,138 alleles (0.00093%); highest among the groups gnomAD compares: African/African-American, 0.0013%; no homozygotes.

Submissions (3):

Ambry Genetics
Classification: Likely benign for Inborn genetic diseases. Last evaluated: 2025-12-06. Review status: criteria provided, single submitter. Criteria: Ambry Variant Classification Scheme 2023. Collection method: clinical testing. Allele origin: germline.

All of Us Research Program, National Institutes of Health
Classification: Likely benign for Wilson disease. Last evaluated: 2023-11-30. Review status: criteria provided, single submitter. Criteria: ACMG Guidelines, 2015. Collection method: clinical testing. Allele origin: germline. Inheritance: Autosomal recessive inheritance. Observed: 5 variant alleles, 5 heterozygotes.
Comment: This study involves interpretation of variants in research participants for the purpose of population health screening. Participant phenotype was not available at the time of variant classification. Additional details can be found in publication PMID: 35346344, PMCID: PMC8962531

Labcorp Genetics (formerly Invitae), Labcorp
Classification: Likely benign for Wilson disease. Last evaluated: 2022-06-11. Review status: criteria provided, single submitter. Criteria: Invitae Variant Classification Sherloc (09022015). Collection method: clinical testing. Allele origin: germline.